The following is an entry in ClinVar:

ClinVar aggregate classification (germline): Pathogenic (1 of 4 stars; one submission).

Conditions:
GNPTAB-mucolipidosis. Also called: UDP-N-acetylglucosamine-1-phosphotransferase subunit alpha/beta deficiency. Identifiers: MedGen CN322573, MONDO:0100122.

Submission:

Myriad Genetics, Inc.
Classification: Pathogenic for GNPTAB-mucolipidosis. Last evaluated: 2023-08-20. Review status: criteria provided, single submitter. Criteria: Myriad Autosomal Dominant, Autosomal Recessive and X-Linked Classification Criteria (2023). Collection method: clinical testing. Allele origin: unknown.
Comment: NM_024312.4(GNPTAB):c.829_830ins13(F277Cfs*10) is expected to be pathogenic in the context of GNPTAB-related disorders. This variant is predicted to lead to an abnormal or absent protein product due to the creation of a premature termination codon in GNPTAB, a gene where loss-of-function variants are known to be pathogenic. Please note: this variant was assessed in the context of healthy population screening.

NM_024312.5(GNPTAB):c.829_830insGTCTCTTATACAC (p.Phe277fs)

Gene: GNPTAB (N-acetylglucosamine-1-phosphate transferase subunits alpha and beta; minus strand). Cytogenetic location: 12q23.2.
Variant type: Insertion.
Coding change: c.829_830insGTCTCTTATACAC on transcript NM_024312.5 (MANE Select); coding-DNA positions 829 to 830, GTCTCTTATACAC inserted.
Protein change: p.Phe277fs; shifts the reading frame from phenylalanine 277.
Molecular consequence: frameshift variant.
Genome position: GRCh38 VCF-style: chr12-101771099-A-AGTGTATAAGAGAC. GRCh37 (hg19) VCF-style: chr12-102164877-A-AGTGTATAAGAGAC.
Other names: short protein forms F277fs.
Identifiers: ClinVar variation 5011405 (VCV005011405.1).